The following is an entry in ClinVar:

NM_000384.3(APOB):c.8877G>A (p.Leu2959=)

Gene: APOB (apolipoprotein B; minus strand). Cytogenetic location: 2p24.1.
Variant type: single nucleotide variant.
Coding change: c.8877G>A on transcript NM_000384.3 (MANE Select); coding-DNA position 8877, G replaced by A.
Protein change: p.Leu2959=; no amino-acid change (leucine 2959 retained).
Molecular consequence: synonymous variant.
Genome position (GRCh38, 1-based): chr2:21,007,991, C>T on the plus strand (G>A on the coding strand, the complement: APOB is on the minus strand). VCF-style: chr2-21007991-C-T. GRCh37 (hg19) VCF-style: chr2-21230863-C-T.
Identifiers: ClinVar variation 490403 (VCV000490403.24), dbSNP rs765899256, ClinGen allele CA066083.

ClinVar aggregate classification (germline): Benign/Likely benign. Review status: criteria provided, multiple submitters, no conflicts (2 of 4 stars). 8 submissions from 8 submitters: Benign (2); Likely benign (5). 1 of the submissions does not count toward it. Last evaluated 2026-01-16.

Conditions:
Cardiovascular phenotype. Identifiers: MedGen CN230736.
Hypercholesterolemia, familial, 1. Also called: LDL RECEPTOR DISORDER; Hyperlipoproteinemia Type IIa; HYPER-LOW-DENSITY-LIPOPROTEINEMIA; HYPERCHOLESTEROLEMIC XANTHOMATOSIS, FAMILIAL; Fredrickson type IIa hyperlipoproteinemia; Hyperlipoproteinemia type 2. Identifiers: Orphanet 391665, MedGen C0745103, MONDO:0007750, OMIM 143890.
Hypercholesterolemia, autosomal dominant, type B (FHCL2). Also called: Familial Hypercholesterolemia Type B; Hyperlipoproteinemia Type IIb; Familial hypercholesterolemia 2; APOB-Related Familial Hypercholesterolemia, Autosomal Dominant; HYPERCHOLESTEROLEMIA, FAMILIAL, DUE TO LIGAND-DEFECTIVE APOLIPOPROTEIN B; APOLIPOPROTEIN B-100, FAMILIAL DEFECTIVE. Identifiers: MedGen C1704417, MONDO:0007751, OMIM 144010.
Familial hypobetalipoproteinemia 1. Also called: Hypobetalipoproteinemia, normotriglyceridemic; Acanthocytosis with hypobetalipoproteinemia; APOB-Related Familial Hypobetalipoproteinemia. Identifiers: MedGen C4551990, MONDO:0014252, OMIM 615558.
APOB-related disorder. Also called: APOB-related condition; APOB-related disorders.
Familial hypercholesterolemia. Also called: Familial hypercholesterolemias; Familial hypercholesterolaemia. Identifiers: MedGen C0020445, MONDO:0005439.

Allele frequency attached by ClinVar (database versions not stated): gnomAD exomes 0.00004 and 0.00029; gnomAD 0.00011 and 0.00012; TOPMed 0.00018; ExAC 0.00027.
gnomAD v4.1: 88 of 1,613,978 alleles (0.0055%); highest among the groups gnomAD compares: East Asian, 0.16%; no homozygotes.

Submissions (8):

Labcorp Genetics (formerly Invitae), Labcorp
Classification: Benign for Familial hypobetalipoproteinemia 1; Hypercholesterolemia, autosomal dominant, type B. Last evaluated: 2026-01-16. Review status: criteria provided, single submitter. Criteria: Invitae Variant Classification Sherloc (09022015). Collection method: clinical testing. Allele origin: germline.

Molecular Diagnostic Laboratory for Inherited Cardiovascular Disease, Montreal Heart Institute
Classification: Benign. Last evaluated: 2025-04-09. Review status: criteria provided, single submitter. Criteria: ACMG Guidelines, 2015. Collection method: clinical testing. Allele origin: germline. Affected: no.

Blueprint Genetics
Classification: Likely benign. Last evaluated: 2024-10-14. Review status: criteria provided, single submitter. Criteria: ACMG Guidelines, 2015. Collection method: clinical testing. Allele origin: germline.

GENinCode PLC
Classification: Likely benign for Familial hypercholesterolemia. Last evaluated: 2023-09-26. Review status: criteria provided, single submitter. Criteria: ACMG Guidelines, 2015. Collection method: clinical testing. Allele origin: germline.
Comment: This is a synonymous (silent) variant that is not predicted by SpliceAI to impact splicing. In addition, it occurs at a nucleotide that is not conserved and has a PopMax FAF which is greater than expected for this disorder. Therefore this variant has been classified as Likely Benign (BS1, BP4, BP7).

Ambry Genetics
Classification: Likely benign for Cardiovascular phenotype. Last evaluated: 2019-03-18. Review status: criteria provided, single submitter. Criteria: Ambry Variant Classification Scheme 2023. Collection method: clinical testing. Allele origin: germline.

Robarts Research Institute, Western University
Classification: Likely benign for Hypercholesterolemia, familial, 1. Last evaluated: 2018-01-02. Review status: criteria provided, single submitter. Criteria: ACMG Guidelines, 2015. Collection method: clinical testing. Allele origin: germline. Inheritance: Autosomal dominant inheritance. Affected: yes.

Color Diagnostics, LLC DBA Color Health
Classification: Likely benign for Familial hypercholesterolemia. Last evaluated: 2017-09-29. Review status: criteria provided, single submitter. Criteria: ACMG Guidelines, 2015. Collection method: clinical testing. Allele origin: germline.

PreventionGenetics, part of Exact Sciences
Classification: Benign for APOB-related condition. Last evaluated: 2019-02-21. Review status: no assertion criteria provided. Collection method: clinical testing. Allele origin: germline. Not counted in ClinVar's aggregate classification.
Comment: This variant is classified as benign based on ACMG/AMP sequence variant interpretation guidelines (Richards et al. 2015 PMID: 25741868, with internal and published modifications).